The following is an entry in ClinVar:

NM_206933.4(USH2A):c.1558del (p.Cys520fs)

Gene: USH2A (usherin; minus strand). Cytogenetic location: 1q41.
Variant type: Deletion.
Coding change: c.1558del on transcript NM_206933.4 (MANE Select); coding-DNA position 1558, one base deleted (T; older notation c.1558delT).
Protein change: p.Cys520fs; shifts the reading frame from cysteine 520.
Molecular consequence: frameshift variant.
Genome position (GRCh38, 1-based): chr1:216,321,969, A deleted on the plus strand (T on the coding strand, the reverse complement: USH2A is on the minus strand). VCF-style (leftmost placement, unchanged base first): chr1-216321968-CA-C. GRCh37 (hg19) VCF-style: chr1-216495310-CA-C.
Other names: c.1558del (NM_206933.2); c.1558del, p.Cys520fs (NM_007123.6); short protein forms C520fs.
Identifiers: ClinVar variation 236541 (VCV000236541.13), dbSNP rs878853410, ClinGen allele CA10581647.

ClinVar aggregate classification (germline): Pathogenic/Likely pathogenic. Review status: criteria provided, multiple submitters, no conflicts (2 of 4 stars). 5 submissions from 4 submitters: Pathogenic (1); Likely pathogenic (2). 2 of the submissions do not count toward it. Last evaluated 2023-11-04.

Conditions:
Retinal dystrophy. Also called: Inherited retinal dystrophy. Identifiers: Orphanet 71862, MedGen C0854723, MeSH D058499, MONDO:0019118, HP:0000556.
Usher syndrome type 2A. Also called: RETINAL DISEASE IN USHER SYNDROME TYPE IIA, MODIFIER OF; USHER SYNDROME, TYPE IIA. Identifiers: Orphanet 231178, Orphanet 886, MedGen C1848634, MONDO:0010169, OMIM 276901.
Retinitis pigmentosa 39 (RP39). Identifiers: Orphanet 791, MedGen C3151138, MONDO:0013436, OMIM 613809.

Allele frequency attached by ClinVar (database versions not stated): gnomAD exomes below 0.00001.

Submissions (5):

Genome-Nilou Lab
Classification: Likely pathogenic for Retinitis pigmentosa 39. Last evaluated: 2023-11-04. Review status: criteria provided, single submitter. Criteria: ACMG Guidelines, 2015. Collection method: clinical testing. Allele origin: germline. Affected: no.

Genome-Nilou Lab
Classification: Likely pathogenic for Usher syndrome type 2A. Last evaluated: 2023-11-04. Review status: criteria provided, single submitter. Criteria: ACMG Guidelines, 2015. Collection method: clinical testing. Allele origin: germline. Affected: no.

Labcorp Genetics (formerly Invitae), Labcorp
Classification: Pathogenic. Last evaluated: 2020-10-26. Review status: criteria provided, single submitter. Criteria: Invitae Variant Classification Sherloc (09022015). Collection method: clinical testing. Allele origin: germline.
Comment: This sequence change creates a premature translational stop signal (p.Cys520Alafs*71) in the USH2A gene. It is expected to result in an absent or disrupted protein product. Loss-of-function variants in USH2A are known to be pathogenic (PMID: 10729113, 10909849, 20507924, 25649381). This variant is not present in population databases (ExAC no frequency). This variant has been observed in individual(s) with Usher syndrome (PMID: 27208204). ClinVar contains an entry for this variant (Variation ID: 236541). For these reasons, this variant has been classified as Pathogenic.

Counsyl
Classification: Likely pathogenic for Usher syndrome type 2A; Retinitis pigmentosa 39. Last evaluated: 2017-12-22. Review status: no assertion criteria provided. Collection method: clinical testing. Allele origin: unknown. Not counted in ClinVar's aggregate classification.

Centre for Genomic Medicine, Manchester, Central Manchester University Hospitals
Classification: Likely pathogenic for Retinal dystrophy. Review status: no assertion criteria provided. Collection method: clinical testing. Allele origin: germline. Affected: yes. Not counted in ClinVar's aggregate classification.

Literature cited by the submitters: PubMed 10729113 (cited by Labcorp Genetics (formerly Invitae), Labcorp); PubMed 10909849 (cited by Labcorp Genetics (formerly Invitae), Labcorp); PubMed 20507924 (cited by Labcorp Genetics (formerly Invitae), Labcorp); PubMed 25649381 (cited by Labcorp Genetics (formerly Invitae), Labcorp); PubMed 27208204 (cited by Labcorp Genetics (formerly Invitae), Labcorp and Counsyl).